The following is an entry in ClinVar:

NM_020778.5(ALPK3):c.4787_4796del (p.Lys1596fs)

Gene: ALPK3 (alpha kinase 3; plus strand). Cytogenetic location: 15q25.3.
Variant type: Deletion.
Coding change: c.4787_4796del on transcript NM_020778.5 (MANE Select); coding-DNA positions 4787 to 4796, 10 bases deleted (AGGAAAGCTG; older notation c.4787_4796delAGGAAAGCTG).
Protein change: p.Lys1596fs; shifts the reading frame from lysine 1596.
Molecular consequence: frameshift variant.
Genome position (GRCh38, 1-based): chr15:84,868,125-84,868,134, AGGAAAGCTG deleted. VCF-style (leftmost placement, unchanged base first): chr15-84868124-AAGGAAAGCTG-A. GRCh37 (hg19) VCF-style: chr15-85411355-AAGGAAAGCTG-A.
Other names: short protein forms K1596fs.
Identifiers: ClinVar variation 1998075 (VCV001998075.4), dbSNP rs2505733184, ClinGen allele CA2580090101.
Genomic context (GRCh38, chr15:84,868,124, plus strand): 5'-GTGTCTCTGGTTGGGACCCCCACTCAGCTCTTCCTGTCTGGCTGCAGATACCAGGGCCTC[AAGGAAAGCTG>A]CTTCCCTGCCCTGCTGGACCGGTTCGCCTCCTCCCACCAGTGCAATGCCTACTGTGAGCT-3'

ClinVar aggregate classification (germline): Uncertain significance (1 of 4 stars; one submission).

Submission:

Labcorp Genetics (formerly Invitae), Labcorp
Classification: Uncertain significance. Last evaluated: 2022-06-08. Review status: criteria provided, single submitter. Criteria: Invitae Variant Classification Sherloc (09022015). Collection method: clinical testing. Allele origin: germline.
Comment: This variant is not present in population databases (gnomAD no frequency). This sequence change creates a premature translational stop signal (p.Lys1798Thrfs*24) in the ALPK3 gene. While this is not anticipated to result in nonsense mediated decay, it is expected to disrupt the last 110 amino acid(s) of the ALPK3 protein. This variant has not been reported in the literature in individuals affected with ALPK3-related conditions. Experimental studies and prediction algorithms are not available or were not evaluated, and the functional significance of this variant is currently unknown. Algorithms developed to predict the effect of sequence changes on RNA splicing suggest that this variant may disrupt the consensus splice site. In summary, the available evidence is currently insufficient to determine the role of this variant in disease. Therefore, it has been classified as a Variant of Uncertain Significance.